The following is an entry in ClinVar:

NM_000540.3(RYR1):c.7875C>T (p.Arg2625=)

Gene: RYR1 (ryanodine receptor 1; plus strand). Cytogenetic location: 19q13.2.
Variant type: single nucleotide variant.
Coding change: c.7875C>T on transcript NM_000540.3 (MANE Select); coding-DNA position 7875, C replaced by T.
Protein change: p.Arg2625=; no amino-acid change (arginine 2625 retained).
Molecular consequence: synonymous variant.
Genome position (GRCh38, 1-based): chr19:38,502,919, C>T. VCF-style: chr19-38502919-C-T. GRCh37 (hg19) VCF-style: chr19-38993559-C-T.
Other names: c.7875C>T, p.Arg2625= (NM_001042723.2).
Identifiers: ClinVar variation 1652576 (VCV001652576.9), dbSNP rs780785655, ClinGen allele CA070942.

ClinVar aggregate classification (germline): Likely benign. Review status: criteria provided, multiple submitters, no conflicts (2 of 4 stars). 2 submissions from 2 submitters: Likely benign (2). Last evaluated 2026-01-19.

Conditions:
RYR1-related disorder. Also called: RYR1-related disorders; RYR1-related condition. Identifiers: MedGen CN239331.
Malignant hyperthermia, susceptibility to, 1 (MHS1). Also called: Anesthesia related hyperthermia; Malignant hyperpyrexia; Fulminating hyperpyrexia; Pharmacogenic myopathy; Malignant hyperthermia suceptibility 1; RYR1-Related Malignant Hyperthermia Susceptibility. Identifiers: Orphanet 423, MedGen C2930980, MONDO:0007783, OMIM 145600.

Allele frequency attached by ClinVar (database versions not stated): gnomAD exomes 0.00001.
gnomAD v4.1: 8 of 1,611,832 alleles (0.0005%); highest among the groups gnomAD compares: South Asian, 0.0033%; no homozygotes.

Submissions (2):

Labcorp Genetics (formerly Invitae), Labcorp
Classification: Likely benign for RYR1-related disorder. Last evaluated: 2026-01-19. Review status: criteria provided, single submitter. Criteria: Invitae Variant Classification Sherloc (09022015). Collection method: clinical testing. Allele origin: germline.

All of Us Research Program, National Institutes of Health
Classification: Likely benign for Malignant hyperthermia, susceptibility to, 1. Last evaluated: 2024-03-14. Review status: criteria provided, single submitter. Criteria: ACMG Guidelines, 2015. Collection method: clinical testing. Allele origin: germline. Inheritance: Autosomal dominant inheritance. Observed: 1 variant allele, 1 heterozygote.
Comment: This study involves interpretation of variants in research participants for the purpose of population health screening. Participant phenotype was not available at the time of variant classification. Additional details can be found in publication PMID: 35346344, PMCID: PMC8962531